The following is an entry in ClinVar:

NM_005918.4(MDH2):c.167_168del (p.Leu55_Tyr56insTer)

Gene: MDH2 (malate dehydrogenase 2; plus strand). Cytogenetic location: 7q11.23.
Variant type: Deletion.
Coding change: c.167_168del on transcript NM_005918.4 (MANE Select); coding-DNA positions 167 to 168, 2 bases deleted (AT; older notation c.167_168delAT).
Protein change: p.Leu55_Tyr56insTer.
Molecular consequence: nonsense. On other transcripts: intron variant (1).
Genome position (GRCh38, 1-based): chr7:76,054,930-76,054,931, AT deleted; deleting any 2 consecutive bases within chr7:76,054,929-76,054,931 gives the same sequence; the c. name uses the placement nearest the transcript's 3' end. VCF-style (leftmost placement, unchanged base first): chr7-76054928-CTA-C. GRCh37 (hg19) VCF-style: chr7-75684246-CTA-C.
Other names: c.167_168del, p.Leu55_Tyr56insTer (NM_001282403.2); c.-86-2480_-86-2479del (NM_001282404.2).
Identifiers: ClinVar variation 1523821 (VCV001523821.8), dbSNP rs782494815, ClinGen allele CA4305432.

ClinVar aggregate classification (germline): Conflicting classifications of pathogenicity. Review status: criteria provided, conflicting classifications (1 of 4 stars). 3 submissions from 3 submitters: Pathogenic (1); Likely pathogenic (1); Uncertain significance (1). Last evaluated 2026-08-01.

Submissions (3):

CeGaT Center for Human Genetics Tuebingen
Classification: Likely pathogenic. Last evaluated: 2026-08-01. Review status: criteria provided, single submitter. Criteria: CeGaT Center For Human Genetics Tuebingen Variant Classification Criteria Version 2. Collection method: clinical testing. Allele origin: germline. Affected: yes. Observed: 1 variant allele.
Comment: MDH2: PVS1

Labcorp Genetics (formerly Invitae), Labcorp
Classification: Pathogenic. Last evaluated: 2025-12-30. Review status: criteria provided, single submitter. Criteria: Invitae Variant Classification Sherloc (09022015). Collection method: clinical testing. Allele origin: germline.
Comment: This sequence change creates a premature translational stop signal (p.Tyr56*) in the MDH2 gene. It is expected to result in an absent or disrupted protein product. Loss-of-function variants in MDH2 are known to be pathogenic (PMID: 27989324). This variant is present in population databases (rs782494815, gnomAD 0.004%). This variant has not been reported in the literature in individuals affected with MDH2-related conditions. ClinVar contains an entry for this variant (Variation ID: 1523821). For these reasons, this variant has been classified as Pathogenic.

Blueprint Genetics
Classification: Uncertain significance. Last evaluated: 2024-08-23. Review status: criteria provided, single submitter. Criteria: ACMG Guidelines, 2015. Collection method: clinical testing. Allele origin: germline.

Literature cited by the submitters: PubMed 27989324 (cited by Labcorp Genetics (formerly Invitae), Labcorp).